The following is an entry in ClinVar:

NM_003412.4(ZIC1):c.869T>C (p.Val290Ala)

Gene: ZIC1 (Zic family zinc finger 1; plus strand). Cytogenetic location: 3q24.
Variant type: single nucleotide variant.
Coding change: c.869T>C on transcript NM_003412.4 (MANE Select); coding-DNA position 869, T replaced by C.
Protein change: p.Val290Ala; replaces valine 290 with alanine.
Molecular consequence: missense variant.
Genome position (GRCh38, 1-based): chr3:147,410,981, T>C. VCF-style: chr3-147410981-T-C. GRCh37 (hg19) VCF-style: chr3-147128768-T-C.
Other names: short protein forms V290A.
Identifiers: ClinVar variation 4851665 (VCV004851665.1).

ClinVar aggregate classification (germline): Uncertain significance (1 of 4 stars; one submission).

Submission:

Greenwood Genetic Center Diagnostic Laboratories, Greenwood Genetic Center
Classification: Uncertain significance. Last evaluated: 2025-02-11. Review status: criteria provided, single submitter. Criteria: ACMG Guidelines, 2015. Collection method: clinical testing. Allele origin: germline.
Comment: PM2, PP3